The following is an entry in ClinVar:

ClinVar aggregate classification (germline): Pathogenic (1 of 4 stars; one submission).

Submission:

Labcorp Genetics (formerly Invitae), Labcorp
Classification: Pathogenic. Last evaluated: 2022-10-27. Review status: criteria provided, single submitter. Criteria: Invitae Variant Classification Sherloc (09022015). Collection method: clinical testing. Allele origin: germline.
Comment: For these reasons, this variant has been classified as Pathogenic. This variant has not been reported in the literature in individuals affected with EFTUD2-related conditions. This variant is not present in population databases (gnomAD no frequency). This sequence change creates a premature translational stop signal (p.Phe349Leufs*4) in the EFTUD2 gene. It is expected to result in an absent or disrupted protein product. Loss-of-function variants in EFTUD2 are known to be pathogenic (PMID: 24999515, 26507355).

Literature cited by the submitters: PubMed 24999515; PubMed 26507355.

NM_004247.4(EFTUD2):c.1044dup (p.Phe349fs)

Gene: EFTUD2 (elongation factor Tu GTP binding domain containing 2; minus strand). Cytogenetic location: 17q21.31.
Variant type: Duplication.
Coding change: c.1044dup on transcript NM_004247.4 (MANE Select); coding-DNA position 1044, one base duplicated (C; older notation c.1044dupC).
Protein change: p.Phe349fs; shifts the reading frame from phenylalanine 349.
Molecular consequence: frameshift variant.
Genome position (GRCh38, 1-based): chr17:44,868,301, G duplicated on the plus strand (C on the coding strand, the reverse complement: EFTUD2 is on the minus strand). VCF-style (leftmost placement, unchanged base first): chr17-44868300-A-AG. GRCh37 (hg19) VCF-style: chr17-42945668-A-AG.
Other names: c.939dup, p.Phe314fs (NM_001142605.2); c.1044dup, p.Phe349fs (NM_001258353.2); c.1014dup, p.Phe339fs (NM_001258354.2); short protein forms F314fs, F339fs, F349fs.
Identifiers: ClinVar variation 2809944 (VCV002809944.3), dbSNP rs2508783265, ClinGen allele CA2739267584.
Genomic context (GRCh38, chr17:44,868,300, plus strand): 5'-GGTAAATGATCACCCCTCTGGAAAGTCACGTCCCATACTCTACTTACGTCTTAGGGTTGA[A>AG]GTAGATGTCACCCCAGAGTCTTTTAGCAAATTCTTGGTAATTAATGTCACCTATGGGAGA-3'